The following is an entry in ClinVar:

NM_001376.5(DYNC1H1):c.8848G>A (p.Val2950Ile)

Gene: DYNC1H1 (dynein cytoplasmic 1 heavy chain 1; plus strand). Cytogenetic location: 14q32.31.
Variant type: single nucleotide variant.
Coding change: c.8848G>A on transcript NM_001376.5 (MANE Select); coding-DNA position 8848, G replaced by A.
Protein change: p.Val2950Ile; replaces valine 2950 with isoleucine.
Molecular consequence: missense variant.
Genome position (GRCh38, 1-based): chr14:102,027,250, G>A. VCF-style: chr14-102027250-G-A. GRCh37 (hg19) VCF-style: chr14-102493587-G-A.
Other names: short protein forms V2950I.
Identifiers: ClinVar variation 2788217 (VCV002788217.3), dbSNP rs1321995457, ClinGen allele CA391010034.

ClinVar aggregate classification (germline): Uncertain significance (1 of 4 stars; one submission).

Conditions:
Charcot-Marie-Tooth disease axonal type 2O. Also called: CHARCOT-MARIE-TOOTH NEUROPATHY, AXONAL, TYPE 2O; CHARCOT-MARIE-TOOTH DISEASE, AXONAL, AUTOSOMAL DOMINANT, TYPE 2O; Charcot-Marie-Tooth disease, axonal, type 20; Charcot-Marie-Tooth Neuropathy Type 2O. Identifiers: Orphanet 284232, MedGen C3280220, MONDO:0013644, OMIM 614228.

Allele frequency attached by ClinVar (database versions not stated): gnomAD exomes 0.00001.
gnomAD v4.1: 8 of 1,614,044 alleles (0.0005%); highest among the groups gnomAD compares: East Asian, 0.0022%; no homozygotes.

Submission:

Labcorp Genetics (formerly Invitae), Labcorp
Classification: Uncertain significance for Charcot-Marie-Tooth disease axonal type 2O. Last evaluated: 2025-10-13. Review status: criteria provided, single submitter. Criteria: Invitae Variant Classification Sherloc (09022015). Collection method: clinical testing. Allele origin: germline.
Comment: This sequence change replaces valine, which is neutral and non-polar, with isoleucine, which is neutral and non-polar, at codon 2950 of the DYNC1H1 protein (p.Val2950Ile). This variant is present in population databases (no rsID available, gnomAD 0.003%). This variant has not been reported in the literature in individuals affected with DYNC1H1-related conditions. ClinVar contains an entry for this variant (Variation ID: 2788217). Invitae Evidence Modeling of protein sequence and biophysical properties (such as structural, functional, and spatial information, amino acid conservation, physicochemical variation, residue mobility, and thermodynamic stability) has been performed for this missense variant. However, the output from this modeling did not meet the statistical confidence thresholds required to predict the impact of this variant on DYNC1H1 protein function. In summary, the available evidence is currently insufficient to determine the role of this variant in disease. Therefore, it has been classified as a Variant of Uncertain Significance.